The following is an entry in ClinVar:

ClinVar aggregate classification (germline): Pathogenic (1 of 4 stars; one submission).

Submission:

Labcorp Genetics (formerly Invitae), Labcorp
Classification: Pathogenic. Last evaluated: 2023-09-09. Review status: criteria provided, single submitter. Criteria: Invitae Variant Classification Sherloc (09022015). Collection method: clinical testing. Allele origin: germline.
Comment: This sequence change creates a premature translational stop signal (p.Leu5751Phefs*35) in the ADGRV1 gene. It is expected to result in an absent or disrupted protein product. Loss-of-function variants in ADGRV1 are known to be pathogenic (PMID: 19357117, 22135276, 22147658, 26226137, 30718709, 31047384, 32467589). This variant is not present in population databases (gnomAD no frequency). This variant has not been reported in the literature in individuals affected with ADGRV1-related conditions. For these reasons, this variant has been classified as Pathogenic.

Literature cited by the submitters: PubMed 19357117; PubMed 22135276; PubMed 22147658; PubMed 26226137; PubMed 30718709; PubMed 31047384; PubMed 32467589.

NM_032119.4(ADGRV1):c.17250del (p.Leu5751fs)

Gene: ADGRV1 (adhesion G protein-coupled receptor V1; plus strand). Cytogenetic location: 5q14.3.
Variant type: Deletion.
Coding change: c.17250del on transcript NM_032119.4 (MANE Select); coding-DNA position 17250, one base deleted (T; older notation c.17250delT).
Protein change: p.Leu5751fs; shifts the reading frame from leucine 5751.
Molecular consequence: frameshift variant. On other transcripts: non-coding transcript variant (1).
Genome position (GRCh38, 1-based): chr5:90,853,329, T deleted. VCF-style (leftmost placement, unchanged base first): chr5-90853328-CT-C. GRCh37 (hg19) VCF-style: chr5-90149145-CT-C.
Other names: short protein forms L5751fs.
Identifiers: ClinVar variation 2744075 (VCV002744075.3), dbSNP rs2532541414, ClinGen allele CA2697546307.
Genomic context (GRCh38, chr5:90,853,328, plus strand): 5'-TGCTTTTCTGTTGTAGAAGCAAAACCATCCTTGATAGTTGCCCATATTTGTCAATATTGG[CT>C]CTTCACTGGTATCCTCAGCAAATCAATGGACACAAGTTTGAAGGAAAGGAAGGAGATTAC-3'